The following is an entry in ClinVar:

ClinVar aggregate classification (germline): Uncertain significance. Review status: criteria provided, multiple submitters, no conflicts (2 of 4 stars). 2 submissions from 2 submitters: Uncertain significance (2). Last evaluated 2025-06-20.

Conditions:
Spastic paraplegia. Identifiers: MedGen C0037772, HP:0001258.

Allele frequency attached by ClinVar (database versions not stated): ExAC 0.00001; gnomAD 0.00001; gnomAD exomes 0.00002; TOPMed 0.00003.
gnomAD v4.1: 25 of 1,613,884 alleles (0.0015%); highest among the groups gnomAD compares: South Asian, 0.0055%; no homozygotes.

Submissions (2):

Labcorp Genetics (formerly Invitae), Labcorp
Classification: Uncertain significance for Spastic paraplegia. Last evaluated: 2025-06-20. Review status: criteria provided, single submitter. Criteria: Invitae Variant Classification Sherloc (09022015). Collection method: clinical testing. Allele origin: germline.
Comment: This sequence change replaces proline, which is neutral and non-polar, with leucine, which is neutral and non-polar, at codon 465 of the GBA2 protein (p.Pro465Leu). This variant is present in population databases (rs747345187, gnomAD 0.01%). This variant has not been reported in the literature in individuals affected with GBA2-related conditions. ClinVar contains an entry for this variant (Variation ID: 1929236). Invitae Evidence Modeling of protein sequence and biophysical properties (such as structural, functional, and spatial information, amino acid conservation, physicochemical variation, residue mobility, and thermodynamic stability) indicates that this missense variant is expected to disrupt GBA2 protein function with a positive predictive value of 80%. In summary, the available evidence is currently insufficient to determine the role of this variant in disease. Therefore, it has been classified as a Variant of Uncertain Significance.

Blueprint Genetics
Classification: Uncertain significance. Last evaluated: 2024-09-03. Review status: criteria provided, single submitter. Criteria: ACMG Guidelines, 2015. Collection method: clinical testing. Allele origin: germline.

NM_020944.3(GBA2):c.1394C>T (p.Pro465Leu)

Gene: GBA2 (glucosylceramidase beta 2; minus strand). Cytogenetic location: 9p13.3.
Variant type: single nucleotide variant.
Coding change: c.1394C>T on transcript NM_020944.3 (MANE Select); coding-DNA position 1394, C replaced by T.
Protein change: p.Pro465Leu; replaces proline 465 with leucine.
Molecular consequence: missense variant.
Genome position (GRCh38, 1-based): chr9:35,740,013, G>A on the plus strand (C>T on the coding strand, the complement: GBA2 is on the minus strand). VCF-style: chr9-35740013-G-A. GRCh37 (hg19) VCF-style: chr9-35740010-G-A.
Other names: c.1394C>T, p.Pro465Leu (NM_001330660.2); short protein forms P465L.
Identifiers: ClinVar variation 1929236 (VCV001929236.5), dbSNP rs747345187, ClinGen allele CA5050431.